The following is an entry in ClinVar:

ClinVar aggregate classification (germline): Uncertain significance (1 of 4 stars; one submission).

Conditions:
Pulmonary fibrosis and/or bone marrow failure, Telomere-related, 3. Also called: PULMONARY FIBROSIS AND/OR BONE MARROW FAILURE SYNDROME, TELOMERE-RELATED, 3. Identifiers: Orphanet 2032, MedGen C4225346, MONDO:0014613, OMIM 616373.
Dyskeratosis congenita, autosomal recessive 5 (DKCB5). Identifiers: MedGen C3554656, MONDO:0014076, OMIM 615190.

Submission:

Labcorp Genetics (formerly Invitae), Labcorp
Classification: Uncertain significance for Dyskeratosis congenita, autosomal recessive 5; Pulmonary fibrosis and/or bone marrow failure, Telomere-related, 3. Last evaluated: 2026-02-01. Review status: criteria provided, single submitter. Criteria: Invitae Variant Classification Sherloc (09022015). Collection method: clinical testing. Allele origin: germline.
Comment: This sequence change replaces serine, which is neutral and polar, with arginine, which is basic and polar, at codon 189 of the RTEL1 protein (p.Ser189Arg). This variant is not present in population databases (gnomAD no frequency). This variant has not been reported in the literature in individuals affected with RTEL1-related conditions. An algorithm developed to predict the effect of missense changes on protein structure and function (PolyPhen-2) suggests that this variant is likely to be tolerated. In summary, the available evidence is currently insufficient to determine the role of this variant in disease. Therefore, it has been classified as a Variant of Uncertain Significance.

NM_001283009.2(RTEL1):c.567C>A (p.Ser189Arg)

Genes: RTEL1 (regulator of telomere elongation helicase 1; plus strand), RTEL1-TNFRSF6B (RTEL1-TNFRSF6B readthrough (NMD candidate); plus strand). Cytogenetic location: 20q13.33.
Variant type: single nucleotide variant.
Coding change: c.567C>A on transcript NM_001283009.2 (MANE Select); coding-DNA position 567, C replaced by A.
Protein change: p.Ser189Arg; replaces serine 189 with arginine.
Molecular consequence: missense variant. On other transcripts: non-coding transcript variant (1), 5 prime UTR variant (1).
Genome position (GRCh38, 1-based): chr20:63,666,032, C>A. VCF-style: chr20-63666032-C-A. GRCh37 (hg19) VCF-style: chr20-62297385-C-A.
Other names: c.-103C>A (NM_001283010.1); c.567C>A, p.Ser189Arg (NM_016434.4); c.639C>A, p.Ser213Arg (NM_032957.5); short protein forms S189R, S213R.
Identifiers: ClinVar variation 4794769 (VCV004794769.1).